The following is an entry in ClinVar:

NM_024596.5(MCPH1):c.2499G>T (p.Leu833Phe)

Genes: MCPH1-AS1 (MCPH1 antisense RNA 1; minus strand), MCPH1 (microcephalin 1; plus strand). Cytogenetic location: 8p23.1.
Variant type: single nucleotide variant.
Coding change: c.2499G>T on transcript NM_024596.5 (MANE Select); coding-DNA position 2499, G replaced by T.
Protein change: p.Leu833Phe; replaces leucine 833 with phenylalanine.
Molecular consequence: missense variant. On other transcripts: 3 prime UTR variant (1).
Genome position (GRCh38, 1-based): chr8:6,643,040, G>T. VCF-style: chr8-6643040-G-T. GRCh37 (hg19) VCF-style: chr8-6500561-G-T.
Other names: c.*13G>T (NM_001322042.2); c.2220G>T, p.Leu740Phe (NM_001363980.2); short protein forms L833F, L740F.
Identifiers: ClinVar variation 158866 (VCV000158866.13), dbSNP rs34009706, ClinGen allele CA271709.
Genomic context (GRCh38, chr8:6,643,040, plus strand): 5'-CGCTCTCTCTCTAGATTCCATCACCCAGCACAAGGTCTGTGCCCCTGAAAACTACCTATT[G>T]TCACAATGACAGTGACCTCACTGGCCTGTGGTGACTGCACACAGCTCGCAAAACTGTCTT-3'
Protein context (NP_078872.3, residues 823-835): HKVCAPENYL[Leu833Phe]SQ

ClinVar aggregate classification (germline): Uncertain significance. Review status: criteria provided, multiple submitters, no conflicts (2 of 4 stars). 4 submissions from 4 submitters: Uncertain significance (4). Last evaluated 2025-05-21.

Conditions:
Inborn genetic diseases. Identifiers: MedGen C0950123, MeSH D030342.
Microcephaly 1, primary, autosomal recessive (MCPH1). Also called: PREMATURE CHROMOSOME CONDENSATION SYNDROME; PCC SYNDROME; PREMATURE CHROMOSOME CONDENSATION WITH MICROCEPHALY AND MENTAL RETARDATION. Identifiers: Orphanet 2512, MedGen C1855081, MONDO:0009617, OMIM 251200.

Allele frequency attached by ClinVar (database versions not stated): ExAC 0.00009; gnomAD exomes 0.00012; TOPMed 0.00013; gnomAD 0.00015 and 0.00016; 1000 Genomes Project 0.00020; 1000 Genomes Project 30x 0.00031; ESP Exome Variant Server 0.00033.
gnomAD v4.1: 401 of 1,613,930 alleles (0.025%); highest among the groups gnomAD compares: Non-Finnish European, 0.03%; 1 homozygote.

Submissions (4):

Ambry Genetics
Classification: Uncertain significance for Inborn genetic diseases. Last evaluated: 2025-05-21. Review status: criteria provided, single submitter. Criteria: Ambry Variant Classification Scheme 2023. Collection method: clinical testing. Allele origin: germline.

Labcorp Genetics (formerly Invitae), Labcorp
Classification: Uncertain significance. Last evaluated: 2022-07-01. Review status: criteria provided, single submitter. Criteria: Invitae Variant Classification Sherloc (09022015). Collection method: clinical testing. Allele origin: germline.
Comment: This sequence change replaces leucine, which is neutral and non-polar, with phenylalanine, which is neutral and non-polar, at codon 833 of the MCPH1 protein (p.Leu833Phe). This variant is present in population databases (rs34009706, gnomAD 0.03%). This variant has not been reported in the literature in individuals affected with MCPH1-related conditions. ClinVar contains an entry for this variant (Variation ID: 158866). Algorithms developed to predict the effect of missense changes on protein structure and function are either unavailable or do not agree on the potential impact of this missense change (SIFT: "Not Available"; PolyPhen-2: "Possibly Damaging"; Align-GVGD: "Not Available"). In summary, the available evidence is currently insufficient to determine the role of this variant in disease. Therefore, it has been classified as a Variant of Uncertain Significance.

Illumina Laboratory Services, Illumina
Classification: Uncertain significance for Microcephaly 1, primary, autosomal recessive. Last evaluated: 2018-01-13. Review status: criteria provided, single submitter. Criteria: ICSL Variant Classification Criteria 13 December 2019. Collection method: clinical testing. Allele origin: germline.

Genetic Services Laboratory, University of Chicago
Classification: Uncertain significance for Microcephaly 1, primary, autosomal recessive. Last evaluated: 2013-03-04. Review status: criteria provided, single submitter. Criteria: ACMG Guidelines, 2007. Collection method: clinical testing. Allele origin: germline. Inheritance: Autosomal recessive inheritance.